The following is an entry in ClinVar:

ClinVar aggregate classification (germline): Pathogenic. Review status: reviewed by expert panel (3 of 4 stars). 3 submissions from 3 submitters: Pathogenic (1). 2 of the submissions do not count toward it. Last evaluated 2022-08-26.

Conditions:
Maturity-onset diabetes of the young (MODY). Also called: Maturity onset diabetes mellitus in young. Identifiers: Orphanet 552, MedGen C0342276, MONDO:0018911, HP:0004904.
Monogenic diabetes. Identifiers: Orphanet 183625, MedGen C3888631, MONDO:0015967.

Submissions (3):

ClinGen Monogenic Diabetes Variant Curation Expert Panel
Classification: Pathogenic for Monogenic diabetes. Last evaluated: 2022-08-26. Review status: reviewed by expert panel. Criteria: Clingen Diabetes Acmg Specifications V1 2. Collection method: curation. Allele origin: germline. Inheritance: Autosomal dominant inheritance.
Comment: The c.2T>C variant in the HNF1 homeobox A gene, HNF1A, results in the loss of the initiation codon (p.Met1?) of NM_000545.8. By altering the start codon of the coding sequence, this variant is predicted to cause a truncated or absent protein in a gene in which loss-of-function is an established disease mechanism (PVS1). This variant is absent from gnomAD v2.1.1 (PM2_Supporting), and was identified in at least 4 unrelated individuals with non-autoimmune and non-absolute/near-absolute insulin-deficient diabetes (PS4_Moderate; PMID: 18003757, PMID: 23348805, internal lab contributors). One of these individuals had a clinical history suggestive of HNF1A-MODY (MODY probability calculator result >50%); however, HNF4A was not tested, and PP4 was not applied (internal lab contributors). This variant segregated with diabetes with two informative meioses in a single family; however, this does not meet the thresholds for PP1 set by the ClinGen MDEP (internal lab contributors). In summary, c.2T>C meets the criteria to be classified as pathogenic for monogenic diabetes. ACMG/AMP criteria applied, as specified by the ClinGen MDEP (specification version 1.2, approved 8/4/2022): PVS1, PS4_Moderate, PM2_Supporting.

Laboratory for Molecular Medicine, Mass General Brigham Personalized Medicine
Classification: Likely pathogenic for Maturity-onset diabetes of the young. Last evaluated: 2022-12-07. Review status: criteria provided, single submitter. Criteria: ACMG Guidelines, 2015. Collection method: clinical testing. Allele origin: germline. Inheritance: Autosomal dominant inheritance. Not counted in ClinVar's aggregate classification.
Comment: The p.Met1? (c.2T>C) variant in HNF1A has been reported in 1 individual with maturity-onset diabetes of the young (MODY) (Colclough 2013 PMID: 23348805). It was absent from large population studies. This variant was classified as Likely Pathogenic on Mar 4, 2022 by the ClinGen-approved Monogenic Diabetes expert panel (Variation ID 1342949). It affects the translation initiation start codon (ATG) and is therefore predicted to disrupt translation although a variety of outcomes (no protein synthesis or the activation of an downstream translation initiation codon) are possible. Additional variants involving the initiation codon (c.1A>C, c.1A>T) have been identified in individuals with MODY (Colclough 2013 PMID: 23348805, Bellanné-Chantelot 2008 PMID: 18003757), supporting that this change may not be tolerated. Loss of function of the HNF1A gene is an established disease mechanism in autosomal dominant MODY. In summary, although additional studies are required to fully establish its clinical significance, this variant meets criteria to be classified as likely pathogenic for autosomal dominant MODY. ACMG/AMP Criteria applied: PVS1, PM2_P.

Ambry Genetics
Classification: Likely pathogenic for Maturity-onset diabetes of the young. Last evaluated: 2016-04-08. Review status: criteria provided, single submitter. Criteria: Ambry Variant Classification Scheme 2023. Collection method: clinical testing. Allele origin: germline. Not counted in ClinVar's aggregate classification.
Comment: The p.M1? variant (also known as c.2T>C), located in coding exon 1 of the HNF1A gene, results from a T to C substitution at nucleotide position 2. This alters the methionine residue at the initiation codon. This variant has been detected in three families with clinical diagnoses of MODY; however, specific phenotype information was not provided (Bellann&eacute;-Chantelot C, Diabetes 2008 Feb; 57(2):503-8; Colclough K, Hum. Mutat. 2013 May; 34(5):669-85.). Of note, the nucleotide changes observed in these studies, which all result in the same p.M1? alteration, include c.1A>C, c.1A>T, and c.2T>C. This variant was not reported in population based cohorts in the following databases: Database of Single Nucleotide Polymorphisms (dbSNP), NHLBI Exome Sequencing Project (ESP), and 1000 Genomes Project. In the ESP, this variant was not observed in 6449 samples (12898 alleles) with coverage at this position. This amino acid position is highly conserved in available vertebrate species. In addition to the clinical data presented in the literature, since sequence variations that modify the initiation codon (ATG) are expected to result in either loss of translation initiation or N-terminal truncation, this alteration is interpreted as likely pathogenic (ACMG Recommendations for Standards for Interpretation and Reporting of Sequence Variations. Revision 2007. Genet Med. 2008;10:294).

Literature cited by the submitters: PubMed 23348805 (cited by Laboratory for Molecular Medicine, Mass General Brigham Personalized Medicine and Ambry Genetics); PubMed 18003757 (cited by Laboratory for Molecular Medicine, Mass General Brigham Personalized Medicine and Ambry Genetics).

NM_000545.8(HNF1A):c.2T>C (p.Met1Thr)

Gene: HNF1A (HNF1 homeobox A; plus strand). Cytogenetic location: 12q24.31.
Variant type: single nucleotide variant.
Coding change: c.2T>C on transcript NM_000545.8 (MANE Select); coding-DNA position 2, T replaced by C.
Protein change: p.Met1Thr; changes the start codon (methionine 1).
Molecular consequence: missense variant, initiator codon variant.
Genome position (GRCh38, 1-based): chr12:120,978,770, T>C. VCF-style: chr12-120978770-T-C. GRCh37 (hg19) VCF-style: chr12-121416573-T-C.
Other names: NM_001306179.2:c.2T>C; c.2T>C, p.Met1Thr (NM_001306179.2); short protein forms M1T.
Identifiers: ClinVar variation 1342949 (VCV001342949.8), dbSNP rs2135819325, ClinGen allele CA386951978.